The following is an entry in ClinVar:

NM_003672.4(CDC14A):c.935G>A (p.Arg312Gln)

Gene: CDC14A (cell division cycle 14A; plus strand). Cytogenetic location: 1p21.2.
Variant type: single nucleotide variant.
Coding change: c.935G>A on transcript NM_003672.4 (MANE Select); coding-DNA position 935, G replaced by A.
Protein change: p.Arg312Gln; replaces arginine 312 with glutamine.
Molecular consequence: missense variant.
Genome position (GRCh38, 1-based): chr1:100,468,052, G>A. VCF-style: chr1-100468052-G-A. GRCh37 (hg19) VCF-style: chr1-100933608-G-A.
Other names: p.Arg312Gln; c.935G>A, p.Arg312Gln (NM_001319210.2, NM_033312.3, NM_033313.3); c.761G>A, p.Arg254Gln (NM_001319211.2); c.56G>A, p.Arg19Gln (NM_001319212.2); short protein forms R312Q, R254Q, R19Q.
Identifiers: ClinVar variation 559435 (VCV000559435.3), dbSNP rs369245990, ClinGen allele CA970732.
Genomic context (GRCh38, chr1:100,468,052, plus strand): 5'-ATGTAATGAAACACTACAGGTTTACACATGCTGAAATAATTGCTTGGATTAGAATATGCC[G>A]GCCAGGCTCTATTATAGGACCCCAGCAGCACTTCCTGGAAGAGTAAGTATATTGTCCCCA-3'
Protein context (NP_003663.2, residues 302-322): AEIIAWIRIC[Arg312Gln]PGSIIGPQQH

ClinVar aggregate classification (germline): Pathogenic/Likely pathogenic. Review status: criteria provided, multiple submitters, no conflicts (2 of 4 stars). 3 submissions from 3 submitters: Pathogenic (1); Likely pathogenic (1). 1 of the submissions does not count toward it. Last evaluated 2023-02-13.

Conditions:
Autosomal recessive nonsyndromic hearing loss 32. Also called: Deafness, autosomal recessive 32; Deafness, autosomal recessive 105; HEARING IMPAIRMENT INFERTILE MALE SYNDROME. Identifiers: Orphanet 90636, MedGen C1837608, MONDO:0012091, OMIM 608653.

Allele frequency attached by ClinVar (database versions not stated): ESP Exome Variant Server 0.00008.
gnomAD v4.1: 5 of 1,613,136 alleles (0.00031%); highest among the groups gnomAD compares: Admixed American, 0.0017%; no homozygotes.

Submissions (3):

Mayo Clinic Laboratories, Mayo Clinic
Classification: Pathogenic. Last evaluated: 2023-02-13. Review status: criteria provided, single submitter. Criteria: ACMG Guidelines, 2015. Collection method: clinical testing. Allele origin: germline. Observed: 1 variant allele.
Comment: PP1_strong, PM2, PM5

SIB Swiss Institute of Bioinformatics
Classification: Likely pathogenic for Autosomal recessive nonsyndromic hearing loss 32. Last evaluated: 2018-11-05. Review status: criteria provided, single submitter. Criteria: ACMG Guidelines, 2015. Collection method: curation. Allele origin: unknown.
Comment: This variant is interpreted as a Likely pathogenic for Deafness, autosomal recessive 32, with or without immotile sperm. The following ACMG Tag(s) were applied: PM2 : Absent from controls (or at extremely low frequency if recessive) in Exome Sequencing Project, 1000 Genomes Project, or Exome Aggregation Consortium. PP3 : Multiple lines of computational evidence support a deleterious effect on the gene or gene product. PP1-Strong : Segregation data PP1 upgraded to strong (PMID:29293958). PM5 : Novel missense change at an amino acid residue where a different missense change determined to be pathogenic has been seen before.

OMIM
Classification: Pathogenic for DEAFNESS, AUTOSOMAL RECESSIVE 32. Last evaluated: 2018-08-03. Review status: no assertion criteria provided. Collection method: literature only. Allele origin: germline. Not counted in ClinVar's aggregate classification.

Literature cited by the submitters: PubMed 12634867 (cited by Mayo Clinic Laboratories, Mayo Clinic and OMIM); PubMed 29293958 (cited by 3 submitters); PubMed 31906439 (cited by Mayo Clinic Laboratories, Mayo Clinic); PubMed 34426522 (cited by Mayo Clinic Laboratories, Mayo Clinic).